The following is an entry in ClinVar:

NM_001004311.3(FIGLA):c.599C>T (p.Thr200Ile)

Gene: FIGLA (folliculogenesis specific bHLH transcription factor; minus strand). Cytogenetic location: 2p13.3.
Variant type: single nucleotide variant.
Coding change: c.599C>T on transcript NM_001004311.3 (MANE Select); coding-DNA position 599, C replaced by T.
Protein change: p.Thr200Ile; replaces threonine 200 with isoleucine.
Molecular consequence: missense variant.
Genome position (GRCh38, 1-based): chr2:70,785,425, G>A on the plus strand (C>T on the coding strand, the complement: FIGLA is on the minus strand). VCF-style: chr2-70785425-G-A. GRCh37 (hg19) VCF-style: chr2-71012557-G-A.
Other names: short protein forms T200I.
Identifiers: ClinVar variation 4257626 (VCV004257626.2).

ClinVar aggregate classification (germline): Uncertain significance. Review status: criteria provided, multiple submitters, no conflicts (2 of 4 stars). 2 submissions from 2 submitters: Uncertain significance (2). Last evaluated 2025-08-04.

Conditions:
Inborn genetic diseases. Identifiers: MedGen C0950123, MeSH D030342.
Premature ovarian failure 6 (POF6). Identifiers: MedGen C2676742, MONDO:0012861, OMIM 612310.

gnomAD v4.1: 16 of 1,610,792 alleles (0.00099%); highest among the groups gnomAD compares: Non-Finnish European, 0.0013%; no homozygotes.

Submissions (2):

Ambry Genetics
Classification: Uncertain significance for Inborn genetic diseases. Last evaluated: 2025-08-04. Review status: criteria provided, single submitter. Criteria: Ambry Variant Classification Scheme 2023. Collection method: clinical testing. Allele origin: germline.

3billion
Classification: Uncertain significance for Premature ovarian failure 6. Last evaluated: 2025-02-03. Review status: criteria provided, single submitter. Criteria: ACMG Guidelines, 2015. Collection method: clinical testing. Allele origin: germline. Affected: yes.
Comment: The variant is observed at an extremely low frequency in the gnomAD v4.1.0 dataset (total allele frequency: 0.001%). Predicted Consequence/Location: Missense variant. Missense changes are a common disease-causing mechanism. In silico tool predictions suggest no damaging effect of the variant on gene or gene product [REVEL: 0.15 (<0.4); 3Cnet: 0.00 (<0.15, specificity 0.78 and negative predictive value 0.92)]. Therefore, this variant is classified as VUS according to the recommendation of ACMG/AMP guideline.